The following is an entry in ClinVar:

NM_000038.6(APC):c.7829G>C (p.Gly2610Ala)

Gene: APC (APC regulator of Wnt signaling pathway; plus strand). Cytogenetic location: 5q22.2.
Variant type: single nucleotide variant.
Coding change: c.7829G>C on transcript NM_000038.6 (MANE Select); coding-DNA position 7829, G replaced by C.
Protein change: p.Gly2610Ala; replaces glycine 2610 with alanine.
Molecular consequence: missense variant.
Genome position (GRCh38, 1-based): chr5:112,843,423, G>C. VCF-style: chr5-112843423-G-C. GRCh37 (hg19) VCF-style: chr5-112179120-G-C.
Other names: c.7829G>C, p.Gly2610Ala (NM_001127510.3, NM_001354895.2); c.7775G>C, p.Gly2592Ala (NM_001127511.3); c.7883G>C, p.Gly2628Ala (NM_001354896.2); c.7859G>C, p.Gly2620Ala (NM_001354897.2); c.7754G>C, p.Gly2585Ala (NM_001354898.2); c.7745G>C, p.Gly2582Ala (NM_001354899.2); c.7706G>C, p.Gly2569Ala (NM_001354900.2); c.7652G>C, p.Gly2551Ala (NM_001354901.2); and 5 more; short protein forms G2450A, G2484A, G2519A, G2582A, G2620A, G2551A, G2592A, G2610A.
Identifiers: ClinVar variation 957922 (VCV000957922.13), dbSNP rs1561618546, ClinGen allele CA16038341.

ClinVar aggregate classification (germline): Uncertain significance. Review status: criteria provided, multiple submitters, no conflicts (2 of 4 stars). 3 submissions from 3 submitters: Uncertain significance (3). Last evaluated 2024-12-02.

Conditions:
Classic or attenuated familial adenomatous polyposis. Identifiers: MedGen CN372698, MONDO:0021057.
Hereditary cancer-predisposing syndrome. Also called: Tumor predisposition; Hereditary neoplastic syndrome; Neoplastic Syndromes, Hereditary; Hereditary Cancer Syndrome. Identifiers: Orphanet 140162, MedGen C0027672, MeSH D009386, MONDO:0015356.
Familial adenomatous polyposis 1 (FAP1). Also called: POLYPOSIS, ADENOMATOUS INTESTINAL; FAMILIAL ADENOMATOUS POLYPOSIS 1, ATTENUATED. Identifiers: MedGen C2713442, MONDO:0021056, OMIM 175100. Disease mechanism: loss of function.

Submissions (3):

Ambry Genetics
Classification: Uncertain significance for Hereditary cancer-predisposing syndrome. Last evaluated: 2024-12-02. Review status: criteria provided, single submitter. Criteria: Ambry Variant Classification Scheme 2023. Collection method: clinical testing. Allele origin: germline.
Comment: The p.G2610A variant (also known as c.7829G>C), located in coding exon 15 of the APC gene, results from a G to C substitution at nucleotide position 7829. The glycine at codon 2610 is replaced by alanine, an amino acid with similar properties. This amino acid position is conserved. In addition, in silico predictors for this gene do not accurately predict pathogenicity. Based on the available evidence, the clinical significance of this variant remains unclear.

Labcorp Genetics (formerly Invitae), Labcorp
Classification: Uncertain significance for Familial adenomatous polyposis 1. Last evaluated: 2024-08-22. Review status: criteria provided, single submitter. Criteria: Invitae Variant Classification Sherloc (09022015). Collection method: clinical testing. Allele origin: germline.
Comment: This sequence change replaces glycine, which is neutral and non-polar, with alanine, which is neutral and non-polar, at codon 2610 of the APC protein (p.Gly2610Ala). This variant is not present in population databases (gnomAD no frequency). This variant has not been reported in the literature in individuals affected with APC-related conditions. ClinVar contains an entry for this variant (Variation ID: 957922). Invitae Evidence Modeling of protein sequence and biophysical properties (such as structural, functional, and spatial information, amino acid conservation, physicochemical variation, residue mobility, and thermodynamic stability) indicates that this missense variant is not expected to disrupt APC protein function with a negative predictive value of 95%. In summary, the available evidence is currently insufficient to determine the role of this variant in disease. Therefore, it has been classified as a Variant of Uncertain Significance.

All of Us Research Program, National Institutes of Health
Classification: Uncertain significance for Classic or attenuated familial adenomatous polyposis. Last evaluated: 2024-08-06. Review status: criteria provided, single submitter. Criteria: ACMG Guidelines, 2015. Collection method: clinical testing. Allele origin: germline. Inheritance: Autosomal dominant inheritance. Observed: 1 variant allele, 1 heterozygote.
Comment: This study involves interpretation of variants in research participants for the purpose of population health screening. Participant phenotype was not available at the time of variant classification. Additional details can be found in publication PMID: 35346344, PMCID: PMC8962531